The following is an entry in ClinVar:

NM_003072.5(SMARCA4):c.1036C>T (p.His346Tyr)

Gene: SMARCA4 (SWI/SNF related BAF chromatin remodeling complex subunit ATPase 4; plus strand). Cytogenetic location: 19p13.2.
Variant type: single nucleotide variant.
Coding change: c.1036C>T on transcript NM_003072.5 (MANE Select); coding-DNA position 1036, C replaced by T.
Protein change: p.His346Tyr; replaces histidine 346 with tyrosine.
Molecular consequence: missense variant. On other transcripts: non-coding transcript variant (1).
Genome position (GRCh38, 1-based): chr19:10,987,842, C>T. VCF-style: chr19-10987842-C-T. GRCh37 (hg19) VCF-style: chr19-11098518-C-T.
Other names: c.1036C>T, p.His346Tyr (NM_001128844.3, NM_001128845.2, NM_001128846.2 and 6 more transcripts); short protein forms H346Y.
Identifiers: ClinVar variation 2785083 (VCV002785083.3), dbSNP rs2145820204, ClinGen allele CA404058676.

ClinVar aggregate classification (germline): Uncertain significance (1 of 4 stars; one submission).

Conditions:
Rhabdoid tumor predisposition syndrome 2 (RTPS2). Identifiers: Orphanet 231108, Orphanet 69077, MedGen C2750074, MONDO:0013224, OMIM 613325.

Submission:

Labcorp Genetics (formerly Invitae), Labcorp
Classification: Uncertain significance for Rhabdoid tumor predisposition syndrome 2. Last evaluated: 2023-01-30. Review status: criteria provided, single submitter. Criteria: Invitae Variant Classification Sherloc (09022015). Collection method: clinical testing. Allele origin: germline.
Comment: In summary, the available evidence is currently insufficient to determine the role of this variant in disease. Therefore, it has been classified as a Variant of Uncertain Significance. Advanced modeling of protein sequence and biophysical properties (such as structural, functional, and spatial information, amino acid conservation, physicochemical variation, residue mobility, and thermodynamic stability) performed at Invitae indicates that this missense variant is not expected to disrupt SMARCA4 protein function. This variant has not been reported in the literature in individuals affected with SMARCA4-related conditions. This variant is not present in population databases (gnomAD no frequency). This sequence change replaces histidine, which is basic and polar, with tyrosine, which is neutral and polar, at codon 346 of the SMARCA4 protein (p.His346Tyr).